The following is an entry in ClinVar:

ClinVar aggregate classification (germline): Likely benign. Review status: criteria provided, single submitter (1 of 4 stars). 2 submissions from 2 submitters: Likely benign (1). 1 of the submissions does not count toward it. Last evaluated 2023-08-16.

Conditions:
PKHD1-related disorder. Also called: PKHD1-related condition.
Autosomal recessive polycystic kidney disease (ARPKD). Also called: AR polycystic kidney disease. Identifiers: Orphanet 731, Orphanet 8378, MedGen C0085548, MeSH D017044, MONDO:0009889.

Allele frequency attached by ClinVar (database versions not stated): gnomAD 0.00001; gnomAD exomes 0.00001; ExAC 0.00002; 1000 Genomes Project 30x 0.00016; 1000 Genomes Project 0.00020.
gnomAD v4.1: 16 of 1,614,036 alleles (0.00099%); highest among the groups gnomAD compares: South Asian, 0.016%; no homozygotes.

Submissions (2):

Labcorp Genetics (formerly Invitae), Labcorp
Classification: Likely benign for Autosomal recessive polycystic kidney disease. Last evaluated: 2023-08-16. Review status: criteria provided, single submitter. Criteria: Invitae Variant Classification Sherloc (09022015). Collection method: clinical testing. Allele origin: germline.

PreventionGenetics, part of Exact Sciences
Classification: Likely benign for PKHD1-related condition. Last evaluated: 2022-03-21. Review status: no assertion criteria provided. Collection method: clinical testing. Allele origin: germline. Not counted in ClinVar's aggregate classification.
Comment: This variant is classified as likely benign based on ACMG/AMP sequence variant interpretation guidelines (Richards et al. 2015 PMID: 25741868, with internal and published modifications).

NM_138694.4(PKHD1):c.2979T>C (p.His993=)

Gene: PKHD1 (PKHD1 ciliary IPT domain containing fibrocystin/polyductin; minus strand). Cytogenetic location: 6p12.2.
Variant type: single nucleotide variant.
Coding change: c.2979T>C on transcript NM_138694.4 (MANE Select); coding-DNA position 2979, T replaced by C.
Protein change: p.His993=; no amino-acid change (histidine 993 retained).
Molecular consequence: synonymous variant.
Genome position (GRCh38, 1-based): chr6:52,042,977, A>G on the plus strand (T>C on the coding strand, the complement: PKHD1 is on the minus strand). VCF-style: chr6-52042977-A-G. GRCh37 (hg19) VCF-style: chr6-51907775-A-G.
Other names: c.2979T>C (NM_138694.3); c.2979T>C, p.His993= (NM_170724.3).
Identifiers: ClinVar variation 1111140 (VCV001111140.11), dbSNP rs528105052, ClinGen allele CA3853069.